The following is an entry in ClinVar:

NM_020774.4(MIB1):c.217A>G (p.Ser73Gly)

Gene: MIB1 (MIB E3 ubiquitin protein ligase 1; plus strand). Cytogenetic location: 18q11.2.
Variant type: single nucleotide variant.
Coding change: c.217A>G on transcript NM_020774.4 (MANE Select); coding-DNA position 217, A replaced by G.
Protein change: p.Ser73Gly; replaces serine 73 with glycine.
Molecular consequence: missense variant.
Genome position (GRCh38, 1-based): chr18:21,741,800, A>G. VCF-style: chr18-21741800-A-G. GRCh37 (hg19) VCF-style: chr18-19321761-A-G.
Other names: short protein forms S73G.
Identifiers: ClinVar variation 3227414 (VCV003227414.1), dbSNP rs2510690765, ClinGen allele CA401754500.

ClinVar aggregate classification (germline): Uncertain significance (1 of 4 stars; one submission).

Conditions:
Inborn genetic diseases. Identifiers: MedGen C0950123, MeSH D030342.

Allele frequency attached by ClinVar (database versions not stated): gnomAD exomes below 0.00001.
gnomAD v4.1: 2 of 1,601,608 alleles (0.00012%); highest among the groups gnomAD compares: East Asian, 0.0023%; no homozygotes.

Submission:

Ambry Genetics
Classification: Uncertain significance for Inborn genetic diseases. Last evaluated: 2023-12-15. Review status: criteria provided, single submitter. Criteria: Ambry Variant Classification Scheme 2023. Collection method: clinical testing. Allele origin: germline.
Comment: The p.S73G variant (also known as c.217A>G), located in coding exon 1 of the MIB1 gene, results from an A to G substitution at nucleotide position 217. The serine at codon 73 is replaced by glycine, an amino acid with similar properties. This amino acid position is conserved. In addition, the in silico prediction for this alteration is inconclusive. Since supporting evidence is limited at this time, the clinical significance of this alteration remains unclear.